The following is an entry in ClinVar:

ClinVar aggregate classification (germline): Pathogenic/Likely pathogenic. Review status: criteria provided, multiple submitters, no conflicts (2 of 4 stars). 3 submissions from 3 submitters: Pathogenic (2); Likely pathogenic (1). Last evaluated 2025-08-26.

Conditions:
Cholestanol storage disease (CTX). Also called: Cerebrotendinous Xanthomatosis; CEREBRAL CHOLESTERINOSIS; CTX: Cerebrotendinous xanthomatosis. Identifiers: Orphanet 909, MedGen C0238052, MONDO:0008948, OMIM 213700.

Submissions (3):

Natera, Inc.
Classification: Pathogenic for Cerebrotendinous xanthomatosis. Last evaluated: 2025-08-26. Review status: criteria provided, single submitter. Criteria: Natera Variant Classification Schema (03/2026). Collection method: clinical testing. Allele origin: germline.
Comment: The c.1563dupA variant in CYP27A1 is a frameshift variant predicted to elongate the protein beyond the termination codon. This variant is expected to result in nonsense mediated decay, truncation, or a dysfunctional protein product. This variant is rare in the general population with a frequency below the threshold expected for the associated phenotype(s). This variant has been observed in one or more individuals affected with the associated recessive disease, as either homozygous or compound heterozygous with a second variant (PMID: 35949830, 32714376). Given the available evidence, this variant is classified as Pathogenic.

Fulgent Genetics
Classification: Pathogenic for Cholestanol storage disease. Last evaluated: 2024-01-31. Review status: criteria provided, single submitter. Criteria: ACMG Guidelines, 2015. Collection method: clinical testing. Allele origin: germline.

Juno Genomics, Hangzhou Juno Genomics, Inc
Classification: Likely pathogenic for Cholestanol storage disease. Review status: criteria provided, single submitter. Criteria: ACMG Guidelines, 2015. Collection method: clinical testing. Allele origin: germline.
Comment: Absent from controls (or at extremely low frequency if recessive) in Genome Aggregation Database.;Null variant in a gene where loss of function (LOF) is a known mechanism of disease.;For recessive disorders, detected in trans with a pathogenic variant.;Patient's phenotype or family history is highly specific for a disease with a single genetic etiology.

Literature cited by the submitters: PubMed 35949830 (cited by Natera, Inc.); PubMed 32714376 (cited by Natera, Inc.).

NM_000784.4(CYP27A1):c.1563dup (p.Val522fs)

Gene: CYP27A1 (cytochrome P450 family 27 subfamily A member 1; plus strand). Cytogenetic location: 2q35.
Variant type: Duplication.
Coding change: c.1563dup on transcript NM_000784.4 (MANE Select); coding-DNA position 1563, one base duplicated (A; older notation c.1563dupA).
Protein change: p.Val522fs; shifts the reading frame from valine 522.
Molecular consequence: frameshift variant.
Genome position (GRCh38, 1-based): chr2:218,814,997, A duplicated; the last of 3 consecutive A bases (chr2:218,814,995-218,814,997); duplicating any one gives the same sequence. VCF-style (leftmost placement, unchanged base first): chr2-218814994-G-GA. GRCh37 (hg19) VCF-style: chr2-219679717-G-GA.
Other names: c.1563dupA (NM_000784.3); short protein forms V522fs.
Identifiers: ClinVar variation 3585671 (VCV003585671.4).